The following is an entry in ClinVar:

ClinVar aggregate classification (germline): Likely benign (0 of 4 stars; one submission).

Conditions:
BOD1-related disorder. Also called: BOD1-related condition.

Submission:

PreventionGenetics, part of Exact Sciences
Classification: Likely benign for BOD1-related condition. Last evaluated: 2019-06-06. Review status: no assertion criteria provided. Collection method: clinical testing. Allele origin: germline.
Comment: This variant is classified as likely benign based on ACMG/AMP sequence variant interpretation guidelines (Richards et al. 2015 PMID: 25741868, with internal and published modifications).

NM_138369.3(BOD1):c.*1+6G>A

Gene: BOD1 (biorientation of chromosomes in cell division 1; minus strand). Cytogenetic location: 5q35.2.
Variant type: single nucleotide variant.
Coding change: c.*1+6G>A on transcript NM_138369.3 (MANE Select); 6 bases into the intron after 1 bases downstream of the stop codon, G replaced by A.
Molecular consequence: intron variant.
Genome position (GRCh38, 1-based): chr5:173,609,232, C>T on the plus strand (G>A on the coding strand, the complement: BOD1 is on the minus strand). VCF-style: chr5-173609232-C-T. GRCh37 (hg19) VCF-style: chr5-173036235-C-T.
Other names: c.363-940G>A (NM_001159651.3).
Identifiers: ClinVar variation 3034241 (VCV003034241.2), dbSNP rs2480015925, ClinGen allele CA2606426040.